The following is an entry in ClinVar:

ClinVar aggregate classification (germline): Uncertain significance (1 of 4 stars; one submission).

Conditions:
Bardet-Biedl syndrome (BBS). Identifiers: Orphanet 110, MedGen C0752166, MONDO:0015229.

Submission:

Labcorp Genetics (formerly Invitae), Labcorp
Classification: Uncertain significance for Bardet-Biedl syndrome. Last evaluated: 2024-09-23. Review status: criteria provided, single submitter. Criteria: Invitae Variant Classification Sherloc (09022015). Collection method: clinical testing. Allele origin: germline.
Comment: This sequence change replaces proline, which is neutral and non-polar, with threonine, which is neutral and polar, at codon 63 of the BBS10 protein (p.Pro63Thr). This variant is present in population databases (no rsID available, gnomAD 0.003%). This variant has not been reported in the literature in individuals affected with BBS10-related conditions. ClinVar contains an entry for this variant (Variation ID: 1503859). Invitae Evidence Modeling of protein sequence and biophysical properties (such as structural, functional, and spatial information, amino acid conservation, physicochemical variation, residue mobility, and thermodynamic stability) indicates that this missense variant is expected to disrupt BBS10 protein function with a positive predictive value of 80%. In summary, the available evidence is currently insufficient to determine the role of this variant in disease. Therefore, it has been classified as a Variant of Uncertain Significance.

NM_024685.4(BBS10):c.187C>A (p.Pro63Thr)

Gene: BBS10 (Bardet-Biedl syndrome 10; minus strand). Cytogenetic location: 12q21.2.
Variant type: single nucleotide variant.
Coding change: c.187C>A on transcript NM_024685.4 (MANE Select); coding-DNA position 187, C replaced by A.
Protein change: p.Pro63Thr; replaces proline 63 with threonine.
Molecular consequence: missense variant.
Genome position (GRCh38, 1-based): chr12:76,348,172, G>T on the plus strand (C>A on the coding strand, the complement: BBS10 is on the minus strand). VCF-style: chr12-76348172-G-T. GRCh37 (hg19) VCF-style: chr12-76741952-G-T.
Other names: short protein forms P63T.
Identifiers: ClinVar variation 1503859 (VCV001503859.7), dbSNP rs371540031, ClinGen allele CA385816065.